The following is an entry in ClinVar:

NM_015041.3(CLUAP1):c.134G>A (p.Arg45Lys)

Gene: CLUAP1 (clusterin associated protein 1; plus strand). Cytogenetic location: 16p13.3.
Variant type: single nucleotide variant.
Coding change: c.134G>A on transcript NM_015041.3 (MANE Select); coding-DNA position 134, G replaced by A.
Protein change: p.Arg45Lys; replaces arginine 45 with lysine.
Molecular consequence: missense variant.
Genome position (GRCh38, 1-based): chr16:3,504,831, G>A. VCF-style: chr16-3504831-G-A. GRCh37 (hg19) VCF-style: chr16-3554831-G-A.
Other names: c.134G>A, p.Arg45Lys (NM_001330454.2); short protein forms R45K.
Identifiers: ClinVar variation 2790201 (VCV002790201.4), dbSNP rs774939873, ClinGen allele CA7863601.
Genomic context (GRCh38, chr16:3,504,831, plus strand): 5'-AAAATTTCCGTACACCCAATTTTGGACTTGTATCTGAAGTGCTTCTCTGGCTTGTGAAAA[G>A]GTTCGAACGGCACTTTATTGACATCTAAGAGTGAATACTGGGTTTTATTTATTAGTCATC-3'
Protein context (NP_055856.1, residues 35-55): VSEVLLWLVK[Arg45Lys]YEPQTDIPPD

ClinVar aggregate classification (germline): Uncertain significance (1 of 4 stars; one submission).

Allele frequency attached by ClinVar (database versions not stated): gnomAD exomes below 0.00001; ExAC 0.00001; TOPMed 0.00001; gnomAD 0.00002.

Submissions (2):

Labcorp Genetics (formerly Invitae), Labcorp
Classification: Uncertain significance. Last evaluated: 2023-01-17. Review status: criteria provided, single submitter. Criteria: Invitae Variant Classification Sherloc (09022015). Collection method: clinical testing. Allele origin: germline.
Comment: In summary, the available evidence is currently insufficient to determine the role of this variant in disease. Therefore, it has been classified as a Variant of Uncertain Significance. Variants that disrupt the consensus splice site are a relatively common cause of aberrant splicing (PMID: 17576681, 9536098). Algorithms developed to predict the effect of sequence changes on RNA splicing suggest that this variant may disrupt the consensus splice site. Algorithms developed to predict the effect of missense changes on protein structure and function are either unavailable or do not agree on the potential impact of this missense change (SIFT: "Tolerated"; PolyPhen-2: "Possibly Damaging"; Align-GVGD: "Class C0"). This variant has not been reported in the literature in individuals affected with CLUAP1-related conditions. This variant is present in population databases (rs774939873, gnomAD 0.01%). This sequence change replaces arginine, which is basic and polar, with lysine, which is basic and polar, at codon 45 of the CLUAP1 protein (p.Arg45Lys). This variant also falls at the last nucleotide of exon 2, which is part of the consensus splice site for this exon.

Dr. Peter K. Rogan Lab, Western University
No classification provided (evidence only). Condition: Lung cancer. Review status: no classification provided. Collection method: in vitro. Allele origin: not applicable. Functional consequence: skipped exon. Not counted in ClinVar's aggregate classification.

Literature cited by the submitters: PubMed 17576681 (cited by Labcorp Genetics (formerly Invitae), Labcorp); PubMed 9536098 (cited by Labcorp Genetics (formerly Invitae), Labcorp).